The following is an entry in ClinVar:

NM_000219.6(KCNE1):c.308A>T (p.Tyr103Phe)

Gene: KCNE1 (potassium voltage-gated channel subfamily E regulatory subunit 1; minus strand). Cytogenetic location: 21q22.12.
Variant type: single nucleotide variant.
Coding change: c.308A>T on transcript NM_000219.6 (MANE Select); coding-DNA position 308, A replaced by T.
Protein change: p.Tyr103Phe; replaces tyrosine 103 with phenylalanine.
Molecular consequence: missense variant.
Genome position (GRCh38, 1-based): chr21:34,449,327, T>A on the plus strand (A>T on the coding strand, the complement: KCNE1 is on the minus strand). VCF-style: chr21-34449327-T-A. GRCh37 (hg19) VCF-style: chr21-35821625-T-A.
Other names: c.308A>T, p.Tyr103Phe (NM_001127668.4, NM_001127669.4, NM_001127670.4 and 4 more transcripts); short protein forms Y103F.
Identifiers: ClinVar variation 3374598 (VCV003374598.2).

Conditions:
Long QT syndrome 5 (LQT5). Identifiers: Orphanet 101016, Orphanet 768, MedGen C1867904, MONDO:0013372, OMIM 613695.

Submission:

Roden Lab, Vanderbilt University Medical Center
No classification provided (evidence only). Condition: Long QT syndrome 5. Review status: no classification provided. Collection method: in vitro. Allele origin: not applicable. Functional consequence: Effect on ion channel function.
ClinVar note: "not provided" was previously submitted as the classification for the variant. However, the classification appeared to be based only on an observation of functional data so it was converted to no classification on 2025-07-30.